The following is an entry in ClinVar:

ClinVar aggregate classification (germline): Uncertain significance (1 of 4 stars; one submission).

Allele frequency attached by ClinVar (database versions not stated): gnomAD exomes below 0.00001 and 0.00001; gnomAD 0.00001; TOPMed 0.00001; ESP Exome Variant Server 0.00008.
gnomAD v4.1: 22 of 1,585,622 alleles (0.0014%); highest among the groups gnomAD compares: Non-Finnish European, 0.0019%; no homozygotes.

Submission:

Labcorp Genetics (formerly Invitae), Labcorp
Classification: Uncertain significance. Last evaluated: 2023-12-11. Review status: criteria provided, single submitter. Criteria: Invitae Variant Classification Sherloc (09022015). Collection method: clinical testing. Allele origin: germline.
Comment: This sequence change replaces threonine, which is neutral and polar, with isoleucine, which is neutral and non-polar, at codon 630 of the KIF11 protein (p.Thr630Ile). This variant is present in population databases (rs374629162, gnomAD 0.0009%). This variant has not been reported in the literature in individuals affected with KIF11-related conditions. ClinVar contains an entry for this variant (Variation ID: 942387). Advanced modeling of protein sequence and biophysical properties (such as structural, functional, and spatial information, amino acid conservation, physicochemical variation, residue mobility, and thermodynamic stability) performed at Invitae indicates that this missense variant is not expected to disrupt KIF11 protein function with a negative predictive value of 80%. In summary, the available evidence is currently insufficient to determine the role of this variant in disease. Therefore, it has been classified as a Variant of Uncertain Significance.

NM_004523.4(KIF11):c.1889C>T (p.Thr630Ile)

Gene: KIF11 (kinesin family member 11; plus strand). Cytogenetic location: 10q23.33.
Variant type: single nucleotide variant.
Coding change: c.1889C>T on transcript NM_004523.4 (MANE Select); coding-DNA position 1889, C replaced by T.
Protein change: p.Thr630Ile; replaces threonine 630 with isoleucine.
Molecular consequence: missense variant.
Genome position (GRCh38, 1-based): chr10:92,637,197, C>T. VCF-style: chr10-92637197-C-T. GRCh37 (hg19) VCF-style: chr10-94396954-C-T.
Other names: short protein forms T630I.
Identifiers: ClinVar variation 942387 (VCV000942387.9), dbSNP rs374629162, ClinGen allele CA211513803.